The following is an entry in ClinVar:

ClinVar aggregate classification (germline): Pathogenic. Review status: criteria provided, multiple submitters, no conflicts (2 of 4 stars). 3 submissions from 3 submitters: Pathogenic (2). 1 of the submissions does not count toward it. Last evaluated 2021-01-22.

Conditions:
Cardiovascular phenotype. Identifiers: MedGen CN230736.
Familial long QT syndrome (RWS). Also called: Congenital long QT syndrome; Romano-Ward syndrome; VENTRICULAR FIBRILLATION WITH PROLONGED QT INTERVAL. Identifiers: Orphanet 768, MedGen C1141890, MONDO:0019171.

Submissions (3):

Molecular Diagnostic Laboratory for Inherited Cardiovascular Disease, Montreal Heart Institute
Classification: Pathogenic for Cardiovascular phenotype. Last evaluated: 2021-01-22. Review status: criteria provided, single submitter. Criteria: ACMG Guidelines, 2015. Collection method: clinical testing. Allele origin: germline. Affected: yes.

GeneDx
Classification: Pathogenic. Last evaluated: 2015-04-09. Review status: criteria provided, single submitter. Criteria: GeneDx Variant Classification (06012015). Collection method: clinical testing. Allele origin: germline. Affected: yes.
Comment: The Asn629Asp mutation in the KCNH2 gene has been reported multiple times in association with LQTS (Satler C et al., 1998; Lees-Miller J et al., 2000; Anderson C et al., 2006; Teng G et al., 2008). Mutations affecting this same residue, (Asn629Ser, Asn629Ile, Asn629Lys, Asn629Thr) and nearby residues (Gly628Ala, Gly628Ser, Gly628Val, Val630Ala, Val630Leu) in the highly conserved pore region have been reported in association with LQTS, further supporting the functional importance of this residue and this region of the protein. Furthermore, Asn629Asp was not observed in approximately 6,500 individuals of European and African American ancestry in the NHLBI Exome Sequencing Project, indicating it is not a common benign variant in these populations. The variant is found in LQT panel(s).

Cardiovascular Biomedical Research Unit, Royal Brompton & Harefield NHS Foundation Trust
No classification provided. Condition: Familial long QT syndrome. Review status: no classification provided. Collection method: literature only. Allele origin: germline. Not counted in ClinVar's aggregate classification.
Comment: This variant has been reported as associated with Long QT syndrome in the following publications (PMID:9544837;PMID:10517660;PMID:10720411;PMID:16432067). This is a literature report, and does not necessarily reflect the clinical interpretation of the Imperial College / Royal Brompton Cardiovascular Genetics laboratory.

Literature cited by the submitters: PubMed 9544837 (cited by Cardiovascular Biomedical Research Unit, Royal Brompton & Harefield NHS Foundation Trust); PubMed 10517660 (cited by Cardiovascular Biomedical Research Unit, Royal Brompton & Harefield NHS Foundation Trust); PubMed 10720411 (cited by Cardiovascular Biomedical Research Unit, Royal Brompton & Harefield NHS Foundation Trust); PubMed 16432067 (cited by Cardiovascular Biomedical Research Unit, Royal Brompton & Harefield NHS Foundation Trust); PubMed 22581653 (cited by Cardiovascular Biomedical Research Unit, Royal Brompton & Harefield NHS Foundation Trust).

NM_000238.4(KCNH2):c.1885A>G (p.Asn629Asp)

Gene: KCNH2 (potassium voltage-gated channel subfamily H member 2; minus strand). Cytogenetic location: 7q36.1.
Variant type: single nucleotide variant.
Coding change: c.1885A>G on transcript NM_000238.4 (MANE Select); coding-DNA position 1885, A replaced by G.
Protein change: p.Asn629Asp; replaces asparagine 629 with aspartic acid.
Molecular consequence: missense variant.
Genome position (GRCh38, 1-based): chr7:150,951,508, T>C on the plus strand (A>G on the coding strand, the complement: KCNH2 is on the minus strand). VCF-style: chr7-150951508-T-C. GRCh37 (hg19) VCF-style: chr7-150648596-T-C.
Other names: p.N629D:AAC>GAC; c.1885A>G (LRG_288t1); c.865A>G, p.Asn289Asp (NM_001204798.2, NM_172057.3); c.1597A>G, p.Asn533Asp (NM_001406753.1, NM_001406756.1); c.1708A>G, p.Asn570Asp (NM_001406755.1); c.1585A>G, p.Asn529Asp (NM_001406757.1); c.1885A>G, p.Asn629Asp (NM_172056.3); short protein forms N289D, N629D, N533D, N529D, N570D.
Identifiers: ClinVar variation 67313 (VCV000067313.5), dbSNP rs199472956, ClinGen allele CA005840.